The following is an entry in ClinVar:

NM_005546.4(ITK):c.1124G>T (p.Gly375Val)

Gene: ITK (IL2 inducible T cell kinase; plus strand). Cytogenetic location: 5q33.3.
Variant type: single nucleotide variant.
Coding change: c.1124G>T on transcript NM_005546.4 (MANE Select); coding-DNA position 1124, G replaced by T.
Protein change: p.Gly375Val; replaces glycine 375 with valine.
Molecular consequence: missense variant.
Genome position (GRCh38, 1-based): chr5:157,243,686, G>T. VCF-style: chr5-157243686-G-T. GRCh37 (hg19) VCF-style: chr5-156670696-G-T.
Other names: short protein forms G375V.
Identifiers: ClinVar variation 1014617 (VCV001014617.8), dbSNP rs773691716, ClinGen allele CA361960076.

ClinVar aggregate classification (germline): Uncertain significance (1 of 4 stars; one submission).

Conditions:
Lymphoproliferative syndrome 1 (LPFS1). Identifiers: Orphanet 238505, Orphanet 538963, MedGen C3552634, MONDO:0013081, OMIM 613011.

gnomAD v4.1: 1 of 1,613,660 alleles (0.000062%); highest among the groups gnomAD compares: Middle Eastern, 0.017%; no homozygotes.

Submission:

Labcorp Genetics (formerly Invitae), Labcorp
Classification: Uncertain significance for Lymphoproliferative syndrome 1. Last evaluated: 2020-08-18. Review status: criteria provided, single submitter. Criteria: Invitae Variant Classification Sherloc (09022015). Collection method: clinical testing. Allele origin: germline.
Comment: This sequence change replaces glycine with valine at codon 375 of the ITK protein (p.Gly375Val). The glycine residue is highly conserved and there is a moderate physicochemical difference between glycine and valine. This variant is not present in population databases (ExAC no frequency). This variant has not been reported in the literature in individuals with ITK-related conditions. Advanced modeling of protein sequence and biophysical properties (such as structural, functional, and spatial information, amino acid conservation, physicochemical variation, residue mobility, and thermodynamic stability) performed at Invitae indicates that this missense variant is expected to disrupt ITK protein function. In summary, the available evidence is currently insufficient to determine the role of this variant in disease. Therefore, it has been classified as a Variant of Uncertain Significance.